The following is an entry in ClinVar:

NM_024529.5(CDC73):c.97C>G (p.Pro33Ala)

Gene: CDC73 (cell division cycle 73; plus strand). Cytogenetic location: 1q31.2.
Variant type: single nucleotide variant.
Coding change: c.97C>G on transcript NM_024529.5 (MANE Select); coding-DNA position 97, C replaced by G.
Protein change: p.Pro33Ala; replaces proline 33 with alanine.
Molecular consequence: missense variant.
Genome position (GRCh38, 1-based): chr1:193,122,297, C>G. VCF-style: chr1-193122297-C-G. GRCh37 (hg19) VCF-style: chr1-193091427-C-G.
Other names: short protein forms P33A.
Identifiers: ClinVar variation 4223480 (VCV004223480.1).
Genomic context (GRCh38, chr1:193,122,297, plus strand): 5'-ATCCAGAAGAAGGAGATTGTGGTGAAGGGAGACGAAGTGATCTTCGGGGAGTTCTCCTGG[C>G]CCAAGAATGTGAAGACCAACTATGTTGTTTGGGGGTAAGTCCGGCATGGCTGTGGCCCAG-3'
Protein context (NP_078805.3, residues 23-43): DEVIFGEFSW[Pro33Ala]KNVKTNYVVW

ClinVar aggregate classification (germline): Uncertain significance (1 of 4 stars; one submission).

Conditions:
Hereditary cancer-predisposing syndrome. Also called: Hereditary Cancer Syndrome; Hereditary neoplastic syndrome; Neoplastic Syndromes, Hereditary; Tumor predisposition. Identifiers: Orphanet 140162, MedGen C0027672, MeSH D009386, MONDO:0015356.

Submission:

Ambry Genetics
Classification: Uncertain significance for Hereditary cancer-predisposing syndrome. Last evaluated: 2025-08-05. Review status: criteria provided, single submitter. Criteria: Ambry Variant Classification Scheme 2023. Collection method: clinical testing. Allele origin: germline.
Comment: The p.P33A variant (also known as c.97C>G), located in coding exon 1 of the CDC73 gene, results from a C to G substitution at nucleotide position 97. The proline at codon 33 is replaced by alanine, an amino acid with highly similar properties. This amino acid position is conserved. In addition, the in silico prediction for this alteration is inconclusive. Based on the available evidence, the clinical significance of this variant remains unclear.